The following is an entry in ClinVar:

ClinVar aggregate classification (germline): Uncertain significance (1 of 4 stars; one submission).

gnomAD v4.1: 1 of 1,614,138 alleles (0.000062%); highest among the groups gnomAD compares: Non-Finnish European, 0.000085%; no homozygotes.

Submission:

Ambry Genetics
Classification: Uncertain significance. Last evaluated: 2024-05-10. Review status: criteria provided, single submitter. Criteria: Ambry Variant Classification Scheme 2023. Collection method: clinical testing. Allele origin: germline.
Comment: The p.I1253N variant (also known as c.3758T>A), located in coding exon 34 of the KIF1B gene, results from a T to A substitution at nucleotide position 3758. The isoleucine at codon 1253 is replaced by asparagine, an amino acid with dissimilar properties. This amino acid position is conserved. In addition, the in silico prediction for this alteration is inconclusive. Based on the available evidence, the clinical significance of this variant remains unclear.

NM_001365951.3(KIF1B):c.3896T>A (p.Ile1299Asn)

Gene: KIF1B (kinesin family member 1B; plus strand). Cytogenetic location: 1p36.22.
Variant type: single nucleotide variant.
Coding change: c.3896T>A on transcript NM_001365951.3 (MANE Select); coding-DNA position 3896, T replaced by A.
Protein change: p.Ile1299Asn; replaces isoleucine 1299 with asparagine.
Molecular consequence: missense variant.
Genome position (GRCh38, 1-based): chr1:10,348,680, T>A. VCF-style: chr1-10348680-T-A. GRCh37 (hg19) VCF-style: chr1-10408738-T-A.
Other names: c.3896T>A, p.Ile1299Asn (NM_001365952.1); c.3758T>A, p.Ile1253Asn (NM_015074.3); short protein forms I1299N, I1253N.
Identifiers: ClinVar variation 3288447 (VCV003288447.1).